The following is an entry in ClinVar:

NM_017934.7(PHIP):c.4040T>G (p.Leu1347Arg)

Genes: IRAK1BP1 (interleukin 1 receptor associated kinase 1 binding protein 1; plus strand), PHIP (PHIP subunit of CUL4-Ring ligase complex; minus strand). Cytogenetic location: 6q14.1.
Variant type: single nucleotide variant.
Coding change: c.4040T>G on transcript NM_017934.7 (MANE Select); coding-DNA position 4040, T replaced by G.
Protein change: p.Leu1347Arg; replaces leucine 1347 with arginine.
Molecular consequence: missense variant.
Genome position (GRCh38, 1-based): chr6:78,954,827, A>C on the plus strand (T>G on the coding strand, the complement: PHIP is on the minus strand). VCF-style: chr6-78954827-A-C. GRCh37 (hg19) VCF-style: chr6-79664544-A-C.
Other names: short protein forms L1347R.
Identifiers: ClinVar variation 2838506 (VCV002838506.3), dbSNP rs2481832630, ClinGen allele CA364642841.

ClinVar aggregate classification (germline): Uncertain significance (1 of 4 stars; one submission).

Submission:

Labcorp Genetics (formerly Invitae), Labcorp
Classification: Uncertain significance. Last evaluated: 2023-10-06. Review status: criteria provided, single submitter. Criteria: Invitae Variant Classification Sherloc (09022015). Collection method: clinical testing. Allele origin: germline.
Comment: This sequence change replaces leucine, which is neutral and non-polar, with arginine, which is basic and polar, at codon 1347 of the PHIP protein (p.Leu1347Arg). This variant is not present in population databases (gnomAD no frequency). This variant has not been reported in the literature in individuals affected with PHIP-related conditions. Advanced modeling of protein sequence and biophysical properties (such as structural, functional, and spatial information, amino acid conservation, physicochemical variation, residue mobility, and thermodynamic stability) performed at Invitae indicates that this missense variant is not expected to disrupt PHIP protein function. In summary, the available evidence is currently insufficient to determine the role of this variant in disease. Therefore, it has been classified as a Variant of Uncertain Significance.